The following is an entry in ClinVar:

ClinVar aggregate classification (germline): Uncertain significance (1 of 4 stars; one submission).

Submission:

Labcorp Genetics (formerly Invitae), Labcorp
Classification: Uncertain significance. Last evaluated: 2022-01-12. Review status: criteria provided, single submitter. Criteria: Invitae Variant Classification Sherloc (09022015). Collection method: clinical testing. Allele origin: germline.
Comment: In summary, the available evidence is currently insufficient to determine the role of this variant in disease. Therefore, it has been classified as a Variant of Uncertain Significance. Algorithms developed to predict the effect of missense changes on protein structure and function are either unavailable or do not agree on the potential impact of this missense change (SIFT: "Tolerated"; PolyPhen-2: "Probably Damaging"; Align-GVGD: "Class C0"). This variant has not been reported in the literature in individuals affected with PGK1-related conditions. This variant is not present in population databases (gnomAD no frequency). This sequence change replaces glycine, which is neutral and non-polar, with aspartic acid, which is acidic and polar, at codon 317 of the PGK1 protein (p.Gly317Asp).

NM_000291.4(PGK1):c.950G>A (p.Gly317Asp)

Gene: PGK1 (phosphoglycerate kinase 1; plus strand). Cytogenetic location: Xq21.1.
Variant type: single nucleotide variant.
Coding change: c.950G>A on transcript NM_000291.4 (MANE Select); coding-DNA position 950, G replaced by A.
Protein change: p.Gly317Asp; replaces glycine 317 with aspartic acid.
Molecular consequence: missense variant.
Genome position (GRCh38, 1-based): chrX:78,124,887, G>A. VCF-style: chrX-78124887-G-A. GRCh37 (hg19) VCF-style: chrX-77380384-G-A.
Other names: short protein forms G317D.
Identifiers: ClinVar variation 1978763 (VCV001978763.4), dbSNP rs2522505647, ClinGen allele CA413717258.